The following is an entry in ClinVar:

NM_024649.5(BBS1):c.785G>A (p.Arg262Gln)

Genes: BBS1 (Bardet-Biedl syndrome 1; plus strand), ZDHHC24 (zDHHC palmitoyltransferase 24; minus strand). Cytogenetic location: 11q13.2.
Variant type: single nucleotide variant.
Coding change: c.785G>A on transcript NM_024649.5 (MANE Select); coding-DNA position 785, G replaced by A.
Protein change: p.Arg262Gln; replaces arginine 262 with glutamine.
Molecular consequence: missense variant. On other transcripts: 3 prime UTR variant (1).
Genome position (GRCh38, 1-based): chr11:66,521,331, G>A. VCF-style: chr11-66521331-G-A. GRCh37 (hg19) VCF-style: chr11-66288802-G-A.
Other names: c.785G>A (NM_024649.4); c.*157C>T (NM_001348571.2); short protein forms R262Q.
Identifiers: ClinVar variation 1946482 (VCV001946482.6), dbSNP rs747282202, ClinGen allele CA6123491.
Genomic context (GRCh38, chr11:66,521,331, plus strand): 5'-TGAGCCTTCCCAGCGTCCCCGTCTTCCTAGAGGTTTCTGGCCAGTTTGATGTTGAGTTCC[G>A]GCTTGCCGCGGCCTGCCGCAATGGAAACATCTATATTCTGAGAAGGTAGCCACATCCGTG-3'
Protein context (NP_078925.3, residues 252-272): EVSGQFDVEF[Arg262Gln]LAAACRNGNI

ClinVar aggregate classification (germline): Uncertain significance. Review status: criteria provided, multiple submitters, no conflicts (2 of 4 stars). 5 submissions from 5 submitters: Uncertain significance (5). Last evaluated 2024-10-31.

Conditions:
Bardet-Biedl syndrome 1 (BBS1). Identifiers: MedGen C2936862, MONDO:0008854, OMIM 209900. Disease mechanism: loss of function.
Retinal dystrophy. Also called: Inherited retinal dystrophy. Identifiers: Orphanet 71862, MedGen C0854723, MeSH D058499, MONDO:0019118, HP:0000556.
BBS1-related disorder. Also called: BBS1-related condition.
Bardet-Biedl syndrome (BBS). Identifiers: Orphanet 110, MedGen C0752166, MONDO:0015229.

Allele frequency attached by ClinVar (database versions not stated): gnomAD 0.00001; TOPMed 0.00002; ExAC 0.00003; gnomAD exomes 0.00003.
gnomAD v4.1: 43 of 1,614,116 alleles (0.0027%); highest among the groups gnomAD compares: East Asian, 0.042%; no homozygotes.

Submissions (5):

PreventionGenetics, part of Exact Sciences
Classification: Uncertain significance for BBS1-related condition. Last evaluated: 2024-10-31. Review status: criteria provided, single submitter. Criteria: ACMG Guidelines, 2015. Collection method: clinical testing. Allele origin: germline.
Comment: The BBS1 c.785G>A variant is predicted to result in the amino acid substitution p.Arg262Gln. This variant was previously reported in a large cohort of individuals with retinitis pigmentosa; however, no additional evidence was available to help assess pathogenicity (Koyanagi et al. 2019. PubMed ID: 31213501, Table S5). This variant is reported in 0.0054% of alleles in individuals of East Asian descent in gnomAD. At this time, the clinical significance of this variant is uncertain due to the absence of conclusive functional and genetic evidence.

Fulgent Genetics
Classification: Uncertain significance for Bardet-Biedl syndrome 1. Last evaluated: 2024-04-16. Review status: criteria provided, single submitter. Criteria: ACMG Guidelines, 2015. Collection method: clinical testing. Allele origin: germline.

Dept Of Ophthalmology, Nagoya University
Classification: Uncertain significance for Retinal dystrophy. Last evaluated: 2023-10-01. Review status: criteria provided, single submitter. Criteria: Submitter's publication. Collection method: research. Allele origin: germline. Affected: yes.

Labcorp Genetics (formerly Invitae), Labcorp
Classification: Uncertain significance for Bardet-Biedl syndrome. Last evaluated: 2022-02-28. Review status: criteria provided, single submitter. Criteria: Invitae Variant Classification Sherloc (09022015). Collection method: clinical testing. Allele origin: germline.
Comment: This sequence change replaces arginine, which is basic and polar, with glutamine, which is neutral and polar, at codon 262 of the BBS1 protein (p.Arg262Gln). This variant is present in population databases (rs747282202, gnomAD 0.006%). This variant has not been reported in the literature in individuals affected with BBS1-related conditions. Algorithms developed to predict the effect of missense changes on protein structure and function output the following: SIFT: "Tolerated"; PolyPhen-2: "Benign"; Align-GVGD: "Class C0". The glutamine amino acid residue is found in multiple mammalian species, which suggests that this missense change does not adversely affect protein function. In summary, the available evidence is currently insufficient to determine the role of this variant in disease. Therefore, it has been classified as a Variant of Uncertain Significance.

Breakthrough Genomics
Classification: Uncertain significance. Review status: criteria provided, single submitter. Criteria: ACMG Guidelines, 2015. Collection method: not provided. Allele origin: germline. Inheritance: Autosomal recessive inheritance. Affected: yes.